The following is an entry in ClinVar:

ClinVar aggregate classification (germline): Conflicting classifications of pathogenicity. Review status: criteria provided, conflicting classifications (1 of 4 stars). 5 submissions from 5 submitters: Uncertain significance (4); Likely benign (1). Last evaluated 2025-09-08.

Conditions:
Cardiovascular phenotype. Identifiers: MedGen CN230736.
Arrhythmogenic right ventricular dysplasia 5. Also called: Arrhythmogenic Right Ventricular Dysplasia/Cardiomyopathy 5; ARRHYTHMOGENIC RIGHT VENTRICULAR DYSPLASIA, FAMILIAL, 5. Identifiers: MedGen C1858379, MONDO:0011459, OMIM 604400.
Cardiomyopathy (CMYO). Also called: Cardiomyopathies. Identifiers: Orphanet 167848, MedGen C0878544, MONDO:0004994, HP:0001638. Inheritance: Various modes of inheritance.

Allele frequency attached by ClinVar (database versions not stated): gnomAD 0.00001; gnomAD exomes 0.00001 and 0.00003; ExAC 0.00004.
gnomAD v4.1: 15 of 1,613,440 alleles (0.00093%); highest among the groups gnomAD compares: Middle Eastern, 0.016%; no homozygotes.

Submissions (5):

Color Diagnostics, LLC DBA Color Health
Classification: Uncertain significance for Cardiomyopathy. Last evaluated: 2025-09-08. Review status: criteria provided, single submitter. Criteria: ACMG Guidelines, 2015. Collection method: clinical testing. Allele origin: germline.
Comment: This missense variant replaces proline with leucine at codon 82 of the TMEM43 protein. Computational prediction suggests that this variant may not impact protein structure and function. To our knowledge, functional studies have not been reported for this variant. This variant has not been reported in individuals affected with TMEM43-related disorders in the literature. This variant has been identified in 7/250870 chromosomes in the general population by the Genome Aggregation Database (gnomAD). The available evidence is insufficient to determine the role of this variant in disease conclusively. Therefore, this variant is classified as a Variant of Uncertain Significance.

Labcorp Genetics (formerly Invitae), Labcorp
Classification: Uncertain significance for Arrhythmogenic right ventricular dysplasia 5. Last evaluated: 2025-05-18. Review status: criteria provided, single submitter. Criteria: Invitae Variant Classification Sherloc (09022015). Collection method: clinical testing. Allele origin: germline.
Comment: This sequence change replaces proline, which is neutral and non-polar, with leucine, which is neutral and non-polar, at codon 82 of the TMEM43 protein (p.Pro82Leu). This variant is present in population databases (rs748242385, gnomAD 0.01%). This variant has not been reported in the literature in individuals affected with TMEM43-related conditions. ClinVar contains an entry for this variant (Variation ID: 936668). Invitae Evidence Modeling of protein sequence and biophysical properties (such as structural, functional, and spatial information, amino acid conservation, physicochemical variation, residue mobility, and thermodynamic stability) indicates that this missense variant is not expected to disrupt TMEM43 protein function with a negative predictive value of 80%. In summary, the available evidence is currently insufficient to determine the role of this variant in disease. Therefore, it has been classified as a Variant of Uncertain Significance.

Ambry Genetics
Classification: Likely benign for Cardiovascular phenotype. Last evaluated: 2025-04-02. Review status: criteria provided, single submitter. Criteria: Ambry Variant Classification Scheme 2023. Collection method: clinical testing. Allele origin: germline.

All of Us Research Program, National Institutes of Health
Classification: Uncertain significance for Arrhythmogenic right ventricular dysplasia 5. Last evaluated: 2023-04-27. Review status: criteria provided, single submitter. Criteria: ACMG Guidelines, 2015. Collection method: clinical testing. Allele origin: germline. Inheritance: Autosomal dominant inheritance. Observed: 1 variant allele, 1 heterozygote.
Comment: This study involves interpretation of variants in research participants for the purpose of population health screening. Participant phenotype was not available at the time of variant classification. Additional details can be found in publication PMID: 35346344, PMCID: PMC8962531

Blueprint Genetics
Classification: Uncertain significance. Last evaluated: 2021-06-15. Review status: criteria provided, single submitter. Criteria: ACMG Guidelines, 2015. Collection method: clinical testing. Allele origin: germline.

NM_024334.3(TMEM43):c.245C>T (p.Pro82Leu)

Gene: TMEM43 (transmembrane protein 43; plus strand). Cytogenetic location: 3p25.1.
Variant type: single nucleotide variant.
Coding change: c.245C>T on transcript NM_024334.3 (MANE Select); coding-DNA position 245, C replaced by T.
Protein change: p.Pro82Leu; replaces proline 82 with leucine.
Molecular consequence: missense variant.
Genome position (GRCh38, 1-based): chr3:14,130,904, C>T. VCF-style: chr3-14130904-C-T. GRCh37 (hg19) VCF-style: chr3-14172404-C-T.
Other names: short protein forms P82L.
Identifiers: ClinVar variation 936668 (VCV000936668.13), dbSNP rs748242385, ClinGen allele CA052348.